The following is an entry in ClinVar:

ClinVar aggregate classification (germline): Pathogenic (1 of 4 stars; one submission).

Submission:

Labcorp Genetics (formerly Invitae), Labcorp
Classification: Pathogenic. Last evaluated: 2024-02-16. Review status: criteria provided, single submitter. Criteria: Invitae Variant Classification Sherloc (09022015). Collection method: clinical testing. Allele origin: germline.
Comment: This sequence change creates a premature translational stop signal (p.Thr367Asnfs*3) in the ESCO2 gene. It is expected to result in an absent or disrupted protein product. Loss-of-function variants in ESCO2 are known to be pathogenic (PMID: 15821733, 16380922). This variant is not present in population databases (gnomAD no frequency). This variant has not been reported in the literature in individuals affected with ESCO2-related conditions. For these reasons, this variant has been classified as Pathogenic.

Literature cited by the submitters: PubMed 15821733; PubMed 16380922.

NM_001017420.3(ESCO2):c.1099dup (p.Thr367fs)

Gene: ESCO2 (establishment of sister chromatid cohesion N-acetyltransferase 2; plus strand). Cytogenetic location: 8p21.1.
Variant type: Duplication.
Coding change: c.1099dup on transcript NM_001017420.3 (MANE Select); coding-DNA position 1099, one base duplicated (A; older notation c.1099dupA).
Protein change: p.Thr367fs; shifts the reading frame from threonine 367.
Molecular consequence: frameshift variant.
Genome position (GRCh38, 1-based): chr8:27,787,970, A duplicated. VCF-style (leftmost placement, unchanged base first): chr8-27787969-T-TA. GRCh37 (hg19) VCF-style: chr8-27645486-T-TA.
Other names: short protein forms T367fs.
Identifiers: ClinVar variation 3690547 (VCV003690547.2).